The following is an entry in ClinVar:

ClinVar aggregate classification (germline): Likely benign (1 of 4 stars; one submission).

Allele frequency attached by ClinVar (database versions not stated): ESP Exome Variant Server 0.00715; gnomAD 0.00715 and 0.00758; TOPMed 0.00722; 1000 Genomes Project 0.00859; 1000 Genomes Project 30x 0.00937.
gnomAD v4.1: 1,976 of 1,526,292 alleles (0.13%); highest among the groups gnomAD compares: African/African-American, 2.3%; 28 homozygotes.

Submission:

GeneDx
Classification: Likely benign. Last evaluated: 2018-06-16. Review status: criteria provided, single submitter. Criteria: GeneDx Variant Classification (06012015). Collection method: clinical testing. Allele origin: germline. Affected: yes.
Comment: This variant is considered likely benign or benign based on one or more of the following criteria: it is a conservative change, it occurs at a poorly conserved position in the protein, it is predicted to be benign by multiple in silico algorithms, and/or has population frequency not consistent with disease.

NM_001098511.3(KIF2A):c.1263-41G>C

Gene: KIF2A (kinesin family member 2A; plus strand). Cytogenetic location: 5q12.1.
Variant type: single nucleotide variant.
Coding change: c.1263-41G>C on transcript NM_001098511.3 (MANE Select); 41 bases into the intron before coding-DNA position 1263, G replaced by C.
Molecular consequence: intron variant.
Genome position (GRCh38, 1-based): chr5:62,363,654, G>C. VCF-style: chr5-62363654-G-C. GRCh37 (hg19) VCF-style: chr5-61659481-G-C.
Other names: c.1182-41G>C (NM_001243952.2); c.1263-41G>C (NM_004520.5); c.1206-41G>C (NM_001243953.2).
Identifiers: ClinVar variation 679549 (VCV000679549.1), dbSNP rs116231822, ClinGen allele CA3278954.